The following is an entry in ClinVar:

ClinVar aggregate classification (germline): Uncertain significance (1 of 4 stars; one submission).

Allele frequency attached by ClinVar (database versions not stated): gnomAD 0.00002; TOPMed 0.00002; gnomAD exomes 0.00001.
gnomAD v4.1: 12 of 1,541,560 alleles (0.00078%); highest among the groups gnomAD compares: Non-Finnish European, 0.001%; no homozygotes.

Submission:

Labcorp Genetics (formerly Invitae), Labcorp
Classification: Uncertain significance. Last evaluated: 2022-08-22. Review status: criteria provided, single submitter. Criteria: Invitae Variant Classification Sherloc (09022015). Collection method: clinical testing. Allele origin: germline.
Comment: This sequence change replaces serine, which is neutral and polar, with leucine, which is neutral and non-polar, at codon 1168 of the EYS protein (p.Ser1168Leu). This variant is present in population databases (no rsID available, gnomAD 0.002%). This variant has not been reported in the literature in individuals affected with EYS-related conditions. ClinVar contains an entry for this variant (Variation ID: 1416888). Algorithms developed to predict the effect of missense changes on protein structure and function output the following: SIFT: "Deleterious"; PolyPhen-2: "Benign"; Align-GVGD: "Class C25". The leucine amino acid residue is found in multiple mammalian species, which suggests that this missense change does not adversely affect protein function. In summary, the available evidence is currently insufficient to determine the role of this variant in disease. Therefore, it has been classified as a Variant of Uncertain Significance.

NM_001142800.2(EYS):c.3503C>T (p.Ser1168Leu)

Gene: EYS (eyes shut homolog; minus strand). Cytogenetic location: 6q12.
Variant type: single nucleotide variant.
Coding change: c.3503C>T on transcript NM_001142800.2 (MANE Select); coding-DNA position 3503, C replaced by T.
Protein change: p.Ser1168Leu; replaces serine 1168 with leucine.
Molecular consequence: missense variant.
Genome position (GRCh38, 1-based): chr6:64,626,186, G>A on the plus strand (C>T on the coding strand, the complement: EYS is on the minus strand). VCF-style: chr6-64626186-G-A. GRCh37 (hg19) VCF-style: chr6-65336079-G-A.
Other names: c.3503C>T, p.Ser1168Leu (NM_001292009.2); short protein forms S1168L.
Identifiers: ClinVar variation 1416888 (VCV001416888.3), dbSNP rs894122437, ClinGen allele CA140345077.